The following is an entry in ClinVar:

ClinVar aggregate classification (germline): Likely pathogenic (1 of 4 stars; one submission).

Conditions:
Neuropathy, hereditary sensory, type 2C. Also called: KIF1A-Related HSAN2 (HSAN2C); Hereditary sensory and autonomic neuropathy type IIC. Identifiers: Orphanet 970, MedGen C3280168, MONDO:0013634, OMIM 614213.
Intellectual disability, autosomal dominant 9 (NESCAVS). Also called: NESCAV SYNDROME; KIF1A-Related Neurodevelopmental Disorder. Identifiers: Orphanet 662367, MedGen C5393830, MONDO:0013656, OMIM 614255.
Hereditary spastic paraplegia 30. Identifiers: Orphanet 101010, MedGen C5235139, MONDO:0012476.

Submission:

Labcorp Genetics (formerly Invitae), Labcorp
Classification: Likely pathogenic for Hereditary spastic paraplegia 30; Neuropathy, hereditary sensory, type 2C; Intellectual disability, autosomal dominant 9. Last evaluated: 2017-11-02. Review status: criteria provided, single submitter. Criteria: Invitae Variant Classification Sherloc (09022015). Collection method: clinical testing. Allele origin: germline.
Comment: In summary, the currently available evidence indicates that the variant is pathogenic, but additional data are needed to prove that conclusively. Therefore, this variant has been classified as Likely Pathogenic. Donor and acceptor splice site variants typically lead to a loss of protein function (PMID: 16199547), and loss-of-function variants in KIF1A are known to be pathogenic (PMID: 21820098). This variant has not been reported in the literature in individuals with KIF1A-related disease. This variant is not present in population databases (ExAC no frequency). This sequence change affects a donor splice site in intron 21 of the KIF1A gene. It is expected to disrupt RNA splicing and likely results in an absent or disrupted protein product.

Literature cited by the submitters: PubMed 16199547; PubMed 21820098.

NM_001244008.2(KIF1A):c.2116+1G>C

Gene: KIF1A (kinesin family member 1A; minus strand). Cytogenetic location: 2q37.3.
Variant type: single nucleotide variant.
Coding change: c.2116+1G>C on transcript NM_001244008.2 (MANE Select); the canonical splice donor site of the intron after coding-DNA position 2116, G replaced by C.
Molecular consequence: splice donor variant.
Genome position (GRCh38, 1-based): chr2:240,762,718, C>G on the plus strand (G>C on the coding strand, the complement: KIF1A is on the minus strand). VCF-style: chr2-240762718-C-G. GRCh37 (hg19) VCF-style: chr2-241702135-C-G.
Other names: c.2089+1G>C (NM_001379653.1, NM_001379650.1, NM_001379645.1 and 10 more transcripts); c.2191+1G>C (NM_001379635.1, NM_001330290.2, NM_001379646.1 and 2 more transcripts); c.2164+1G>C (NM_001379637.1, NM_001379648.1); c.2116+1G>C (NM_001320705.2, NM_001379638.1, NM_001330289.2).
Identifiers: ClinVar variation 532854 (VCV000532854.7), dbSNP rs1553633687, ClinGen allele CA351325992.